The following is an entry in ClinVar:

ClinVar aggregate classification (germline): Likely pathogenic (1 of 4 stars; one submission).

Submission:

Laboratorio de Genetica e Diagnostico Molecular, Hospital Israelita Albert Einstein
Classification: Likely pathogenic. Last evaluated: 2020-09-04. Review status: criteria provided, single submitter. Criteria: ACMG Guidelines, 2015. Collection method: clinical testing. Allele origin: germline. Affected: yes.
Comment: ACMG classification criteria: PVS1, PM2

NM_003793.4(CTSF):c.1272C>A (p.Cys424Ter)

Gene: CTSF (cathepsin F; minus strand). Cytogenetic location: 11q13.2.
Variant type: single nucleotide variant.
Coding change: c.1272C>A on transcript NM_003793.4 (MANE Select); coding-DNA position 1272, C replaced by A.
Protein change: p.Cys424Ter; replaces cysteine 424 with a stop codon.
Molecular consequence: nonsense.
Genome position (GRCh38, 1-based): chr11:66,564,607, G>T on the plus strand (C>A on the coding strand, the complement: CTSF is on the minus strand). VCF-style: chr11-66564607-G-T. GRCh37 (hg19) VCF-style: chr11-66332078-G-T.
Other names: short protein forms C424*.
Identifiers: ClinVar variation 1690935 (VCV001690935.2), dbSNP rs2134949827, ClinGen allele CA381456566.
Genomic context (GRCh38, chr11:66,564,607, plus strand): 5'-GCGGAACTCACGGTTGCCGTAGCCCACAAGCAACACCGCATGGTCAATGAGCCAAGGGCT[G>T]CAGAGGGGCCGGAGAGGGCGGGAGATCCCGTGGCGGTAAAACTGGAGGTGGAGAAGGAGT-3'